The following is an entry in ClinVar:

NM_001844.5(COL2A1):c.3540C>A (p.Ile1180=)

Gene: COL2A1 (collagen type II alpha 1 chain; minus strand). Cytogenetic location: 12q13.11.
Variant type: single nucleotide variant.
Coding change: c.3540C>A on transcript NM_001844.5 (MANE Select); coding-DNA position 3540, C replaced by A.
Protein change: p.Ile1180=; no amino-acid change (isoleucine 1180 retained).
Molecular consequence: synonymous variant.
Genome position (GRCh38, 1-based): chr12:47,976,020, G>T on the plus strand (C>A on the coding strand, the complement: COL2A1 is on the minus strand). VCF-style: chr12-47976020-G-T. GRCh37 (hg19) VCF-style: chr12-48369803-G-T.
Other names: c.3540C>A (NM_001844.4); c.3333C>A, p.Ile1111= (NM_033150.3).
Identifiers: ClinVar variation 1980419 (VCV001980419.5), dbSNP rs759490155, ClinGen allele CA6534711.

ClinVar aggregate classification (germline): Benign/Likely benign. Review status: criteria provided, multiple submitters, no conflicts (2 of 4 stars). 2 submissions from 2 submitters: Benign (1); Likely benign (1). Last evaluated 2025-12-24.

Conditions:
COL2A1-related disorder. Also called: COL2A1-related condition; COL2A1-related disorders.

Allele frequency attached by ClinVar (database versions not stated): gnomAD exomes below 0.00001; ExAC 0.00001; gnomAD 0.00001; TOPMed 0.00004.
gnomAD v4.1: 5 of 1,614,006 alleles (0.00031%); highest among the groups gnomAD compares: African/African-American, 0.0053%; no homozygotes.

Submissions (2):

Labcorp Genetics (formerly Invitae), Labcorp
Classification: Benign. Last evaluated: 2025-12-24. Review status: criteria provided, single submitter. Criteria: Invitae Variant Classification Sherloc (09022015). Collection method: clinical testing. Allele origin: germline.

PreventionGenetics, part of Exact Sciences
Classification: Likely benign for COL2A1-related condition. Last evaluated: 2024-11-23. Review status: criteria provided, single submitter. Criteria: ACMG Guidelines, 2015. Collection method: clinical testing. Allele origin: germline.
Comment: This variant is classified as likely benign based on ACMG/AMP sequence variant interpretation guidelines (Richards et al. 2015 PMID: 25741868, with internal and published modifications).